The following is an entry in ClinVar:

ClinVar aggregate classification (germline): Uncertain significance. Review status: criteria provided, multiple submitters, no conflicts (2 of 4 stars). 2 submissions from 2 submitters: Uncertain significance (2). Last evaluated 2026-09-12.

Conditions:
FG syndrome (FGS). Identifiers: MedGen C0220769, MONDO:0002010.
Familial thoracic aortic aneurysm and aortic dissection (TAAD). Also called: Thoracic aortic aneurysms and dissections. Identifiers: Orphanet 91387, MedGen C4707243, MONDO:0019625.

Allele frequency attached by ClinVar (database versions not stated): TOPMed below 0.00001; gnomAD exomes 0.00003.
gnomAD v4.1: 28 of 1,209,455 alleles (0.0023%); highest among the groups gnomAD compares: Non-Finnish European, 0.003%; no homozygotes.

Submissions (2):

Ambry Genetics
Classification: Uncertain significance for Familial thoracic aortic aneurysm and aortic dissection. Last evaluated: 2026-09-12. Review status: criteria provided, single submitter. Criteria: Ambry Variant Classification Scheme 2023. Collection method: clinical testing. Allele origin: germline.
Comment: The p.T690A variant (also known as c.2068A>G), located in coding exon 15 of the MED12 gene, results from an A to G substitution at nucleotide position 2068. The threonine at codon 690 is replaced by alanine, an amino acid with similar properties. This amino acid position is conserved. In addition, this alteration is predicted to be tolerated by in silico analysis. Based on the available evidence, the clinical significance of this variant remains unclear.

Labcorp Genetics (formerly Invitae), Labcorp
Classification: Uncertain significance for FG syndrome. Last evaluated: 2024-05-20. Review status: criteria provided, single submitter. Criteria: Invitae Variant Classification Sherloc (09022015). Collection method: clinical testing. Allele origin: germline.
Comment: This sequence change replaces threonine, which is neutral and polar, with alanine, which is neutral and non-polar, at codon 690 of the MED12 protein (p.Thr690Ala). This variant is not present in population databases (gnomAD no frequency). This variant has not been reported in the literature in individuals affected with MED12-related conditions. ClinVar contains an entry for this variant (Variation ID: 240095). Advanced modeling of protein sequence and biophysical properties (such as structural, functional, and spatial information, amino acid conservation, physicochemical variation, residue mobility, and thermodynamic stability) performed at Invitae indicates that this missense variant is not expected to disrupt MED12 protein function with a negative predictive value of 95%. In summary, the available evidence is currently insufficient to determine the role of this variant in disease. Therefore, it has been classified as a Variant of Uncertain Significance.

NM_005120.3(MED12):c.2068A>G (p.Thr690Ala)

Gene: MED12 (mediator complex subunit 12; plus strand). Cytogenetic location: Xq13.1.
Variant type: single nucleotide variant.
Coding change: c.2068A>G on transcript NM_005120.3 (MANE Select); coding-DNA position 2068, A replaced by G.
Protein change: p.Thr690Ala; replaces threonine 690 with alanine.
Molecular consequence: missense variant.
Genome position (GRCh38, 1-based): chrX:71,124,988, A>G. VCF-style: chrX-71124988-A-G. GRCh37 (hg19) VCF-style: chrX-70344838-A-G.
Other names: short protein forms T690A.
Identifiers: ClinVar variation 240095 (VCV000240095.12), dbSNP rs878854752, ClinGen allele CA10583952.
Genomic context (GRCh38, chrX:71,124,988, plus strand): 5'-CATCCACTTTCCTTCTTCTCATGTTCTGCTTTCTCACCTTTCTCTCAGTTGTTCTCCCCT[A>G]CTATGCCCTGTGAGGGGAAGGGCAGTCCATCCCCTGAGAAGCCAGATGTCGAGAAGGAGG-3'
Protein context (NP_005111.2, residues 680-700): EKPDFSLFSP[Thr690Ala]MPCEGKGSPS